The following is an entry in ClinVar:

ClinVar aggregate classification (germline): Uncertain significance (1 of 4 stars; one submission).

Conditions:
Granulomatous disease, chronic, autosomal recessive, cytochrome b-positive, type 3. Also called: GRANULOMATOUS DISEASE, CHRONIC, AUTOSOMAL RECESSIVE, 3; CGD, AUTOSOMAL RECESSIVE CYTOCHROME b-POSITIVE, TYPE III; GRANULOMATOUS DISEASE, CHRONIC, DUE TO NCF4 DEFICIENCY; Granulomatous disease, chronic, autosomal recessive, cytochrome b-positive, type III. Identifiers: Orphanet 379, MedGen C3151409, MONDO:0013507, OMIM 613960.

Allele frequency attached by ClinVar (database versions not stated): ExAC 0.00001; TOPMed 0.00001; ESP Exome Variant Server 0.00008.
gnomAD v4.1: 4 of 1,613,604 alleles (0.00025%); highest among the groups gnomAD compares: African/African-American, 0.0054%; no homozygotes.

Submission:

Labcorp Genetics (formerly Invitae), Labcorp
Classification: Uncertain significance for Granulomatous disease, chronic, autosomal recessive, cytochrome b-positive, type 3. Last evaluated: 2019-08-20. Review status: criteria provided, single submitter. Criteria: Invitae Variant Classification Sherloc (09022015). Collection method: clinical testing. Allele origin: germline.
Comment: Algorithms developed to predict the effect of missense changes on protein structure and function are either unavailable or do not agree on the potential impact of this missense change (SIFT: "Deleterious"; PolyPhen-2: "Possibly Damaging"; Align-GVGD: "Class C0"). This sequence change replaces valine with leucine at codon 42 of the NCF4 protein (p.Val42Leu). The valine residue is highly conserved and there is a small physicochemical difference between valine and leucine. This variant is present in population databases (rs371578849, ExAC 0.01%). This variant has not been reported in the literature in individuals with NCF4-related conditions. In summary, the available evidence is currently insufficient to determine the role of this variant in disease. Therefore, it has been classified as a Variant of Uncertain Significance.

NM_000631.5(NCF4):c.124G>C (p.Val42Leu)

Genes: NCF4-AS1 (NCF4 antisense RNA 1; minus strand), NCF4 (neutrophil cytosolic factor 4; plus strand). Cytogenetic location: 22q12.3.
Variant type: single nucleotide variant.
Coding change: c.124G>C on transcript NM_000631.5 (MANE Select); coding-DNA position 124, G replaced by C.
Protein change: p.Val42Leu; replaces valine 42 with leucine.
Molecular consequence: missense variant.
Genome position (GRCh38, 1-based): chr22:36,864,925, G>C. VCF-style: chr22-36864925-G-C. GRCh37 (hg19) VCF-style: chr22-37260967-G-C.
Other names: c.124G>C, p.Val42Leu (NM_013416.4); short protein forms V42L.
Identifiers: ClinVar variation 964445 (VCV000964445.10), dbSNP rs371578849, ClinGen allele CA10212871.